The following is an entry in ClinVar:

ClinVar aggregate classification (germline): Benign/Likely benign. Review status: criteria provided, multiple submitters, no conflicts (2 of 4 stars). 18 submissions from 18 submitters: Benign (6); Likely benign (6). 6 of the submissions do not count toward it. Last evaluated 2026-09-01.

Conditions:
POLD1-related disorder. Also called: POLD1-related disorders; POLD1-related condition.
Mandibular hypoplasia-deafness-progeroid syndrome. Also called: Mandibular hypoplasia, deafness, progeroid features, and lipodystrophy syndrome. Identifiers: Orphanet 363649, MedGen C3715192, MONDO:0014157, OMIM 615381.
POLD1-related polyposis and colorectal cancer syndrome (CRCS10). Also called: Colorectal cancer 10; COLORECTAL CANCER, SUSCEPTIBILITY TO, ON CHROMOSOME 19q; Colorectal cancer, susceptibility to, 10. Identifiers: Orphanet 220460, MedGen C2675481, MONDO:0012953, OMIM 612591.
Hereditary cancer-predisposing syndrome. Also called: Neoplastic Syndromes, Hereditary; Tumor predisposition; Hereditary Cancer Syndrome; Hereditary neoplastic syndrome. Identifiers: Orphanet 140162, MedGen C0027672, MeSH D009386, MONDO:0015356.
Familial ovarian cancer. Identifiers: MedGen C5679802, MONDO:0016248.
Colon cancer. Also called: Malignant tumor of colon. Identifiers: MedGen C0007102, MONDO:0021063, HP:0003003.

Allele frequency attached by ClinVar (database versions not stated): 1000 Genomes Project 30x 0.00047; 1000 Genomes Project 0.00060; TOPMed 0.00152; gnomAD 0.00243 and 0.00253; ESP Exome Variant Server 0.00246; ExAC 0.00254; gnomAD exomes 0.00268.
gnomAD v4.1: 4,331 of 1,613,944 alleles (0.27%); highest among the groups gnomAD compares: Non-Finnish European, 0.27%; 7 homozygotes.

Submissions (18):

CeGaT Center for Human Genetics Tuebingen
Classification: Likely benign. Last evaluated: 2026-09-01. Review status: criteria provided, single submitter. Criteria: CeGaT Center For Human Genetics Tuebingen Variant Classification Criteria Version 2. Collection method: clinical testing. Allele origin: germline. Affected: yes. Observed: 29 variant alleles.
Comment: POLD1: BP4, BS1

Labcorp Genetics (formerly Invitae), Labcorp
Classification: Benign for POLD1-related polyposis and colorectal cancer syndrome. Last evaluated: 2026-02-03. Review status: criteria provided, single submitter. Criteria: Invitae Variant Classification Sherloc (09022015). Collection method: clinical testing. Allele origin: germline.

Center for Genomic Medicine, Rigshospitalet, Copenhagen University Hospital
Classification: Likely benign. Last evaluated: 2025-03-04. Review status: criteria provided, single submitter. Criteria: ACMG Guidelines, 2015. Collection method: clinical testing. Allele origin: germline.

Institute for Biomarker Research, Medical Diagnostic Laboratories, L.L.C.
Classification: Benign for Hereditary cancer-predisposing syndrome. Last evaluated: 2025-01-15. Review status: criteria provided, single submitter. Criteria: ACMG Guidelines, 2015. Collection method: clinical testing. Allele origin: germline.
Comment: The missense variant NM_001308632.1(POLD1):c.433G>A (p.Ala145Thr) has been reported to ClinVar as Benign/Likely benign with a status of (2 stars) criteria provided, multiple submitters, no conflicts (Variation ID 221138 as of 2025-01-02).There is a small physicochemical difference between alanine and threonine, which is not likely to impact secondary protein structure as these residues share similar properties.The nucleotide c.433 in POLD1 is predicted conserved by GERP++ and PhyloP across 100 vertebrates. For these reasons, this variant has been classified as Benign.

Blueprint Genetics
Classification: Likely benign. Last evaluated: 2024-10-21. Review status: criteria provided, single submitter. Criteria: ACMG Guidelines, 2015. Collection method: clinical testing. Allele origin: germline.

KCCC/NGS Laboratory, Kuwait Cancer Control Center
Classification: Benign for POLD1-related polyposis and colorectal cancer syndrome. Last evaluated: 2023-07-07. Review status: criteria provided, single submitter. Criteria: ACMG Guidelines, 2015. Collection method: clinical testing. Allele origin: germline. Affected: yes.

ARUP Laboratories, Molecular Genetics and Genomics, ARUP Laboratories
Classification: Likely benign. Last evaluated: 2023-06-15. Review status: criteria provided, single submitter. Criteria: ARUP Molecular Germline Variant Investigation Process 2024. Collection method: clinical testing. Allele origin: germline.

Fulgent Genetics
Classification: Likely benign for POLD1-related polyposis and colorectal cancer syndrome; Mandibular hypoplasia-deafness-progeroid syndrome. Last evaluated: 2021-11-04. Review status: criteria provided, single submitter. Criteria: ACMG Guidelines, 2015. Collection method: clinical testing. Allele origin: unknown.

GeneDx
Classification: Benign. Last evaluated: 2019-07-22. Review status: criteria provided, single submitter. Criteria: GeneDx Variant Classification Process June 2021. Collection method: clinical testing. Allele origin: germline. Affected: yes.
Comment: This variant is associated with the following publications: (PMID: 21796119, 28608266)

Ambry Genetics
Classification: Benign for Hereditary cancer-predisposing syndrome. Last evaluated: 2018-12-20. Review status: criteria provided, single submitter. Criteria: Ambry Variant Classification Scheme 2023. Collection method: clinical testing. Allele origin: germline.

Quest Diagnostics Nichols Institute San Juan Capistrano
Classification: Benign. Last evaluated: 2018-02-09. Review status: criteria provided, single submitter. Criteria: Quest Diagnostics criteria. Collection method: clinical testing. Allele origin: unknown.

Women's Health and Genetics/Laboratory Corporation of America, LabCorp
Classification: Likely benign. Last evaluated: 2016-08-26. Review status: criteria provided, single submitter. Criteria: LabCorp Variant Classification Summary - May 2015. Collection method: clinical testing. Allele origin: germline.
Comment: Variant summary: The POLD1 c.433G>A (p.Ala145Thr) variant involves the alteration of a conserved nucleotide. 3/5 in silico tools predict a benign outcome for this variant. This variant is located in the Ribonuclease H-like domain (InterPro).This variant was found in 308/121298 control chromosomes (2 homozygotes), predominantly observed in the European (Finnish) subpopulation at a frequency of 0.012269 (81/6602). This frequency is about 864 times the estimated maximal expected allele frequency of a pathogenic POLD1 variant (0.0000142), suggesting this is likely a benign polymorphism found primarily in the populations of European (Finnish) origin. In a non-peer reviewed project report this variant was reported to be found in 3/95 CRC patients (Rypdal KB, 2015). Another missense change at the same residue p.A145D has also been found in one CRC patient who did not have somatic pathogenic variants (PMID 23263490). Although it is not monogenically linked to CRC phenotype based on population data, whether this variant represents a risk allele needs to be further examined by case-control studies. There are no published functional studies. In ClinVar, while one clinical lab classifies it as uncertain significance, another as benign. Taken together, this variant is currently classified as likely benign.

PreventionGenetics, part of Exact Sciences
Classification: Benign for POLD1-related condition. Last evaluated: 2019-10-14. Review status: no assertion criteria provided. Collection method: clinical testing. Allele origin: germline. Not counted in ClinVar's aggregate classification.
Comment: This variant is classified as benign based on ACMG/AMP sequence variant interpretation guidelines (Richards et al. 2015 PMID: 25741868, with internal and published modifications).

CSER _CC_NCGL, University of Washington
Classification: Likely benign for Colon cancer. Last evaluated: 2016-08-01. Review status: no assertion criteria provided. Collection method: research. Allele origin: germline. Inheritance: Autosomal dominant inheritance. Study: CSER - NEXT Medicine variant annotation. Not counted in ClinVar's aggregate classification.
Comment: In exonuclease domain.

Clinical Genetics DNA and cytogenetics Diagnostics Lab, Erasmus MC, Erasmus Medical Center
Classification: Likely benign. Review status: no assertion criteria provided. Collection method: clinical testing. Allele origin: germline. Affected: yes. Study: VKGL Data-share Consensus. Not counted in ClinVar's aggregate classification.

Clinical Genetics, Academic Medical Center
Classification: Benign. Review status: no assertion criteria provided. Collection method: clinical testing. Allele origin: germline. Affected: yes. Study: VKGL Data-share Consensus. Not counted in ClinVar's aggregate classification.

Department of Pathology and Laboratory Medicine, Sinai Health System
Classification: Likely benign for Familial ovarian cancer. Review status: no assertion criteria provided. Collection method: clinical testing. Allele origin: unknown. Affected: yes. Study: The Canadian Open Genetics Repository (COGR). Not counted in ClinVar's aggregate classification.
Comment: The POLD1 p.Ala145Thr variant was not identified in the literature. The variant was identified in dbSNP (ID: rs137953986 as "With Likely benign allele"), ClinVar (classified as benign by Invitae; and as likely benign by Ambry Genetics, GeneDx and four other submitters), and in LOVD 3.0 (2x as benign and likely benign). The variant was identified in control databases in 767 of 276920 chromosomes (4 homozygous) at a frequency of 0.003, increasing the likelihood this could be a low frequency benign variant (Genome Aggregation Database Feb 27, 2017). The variant was observed in the following populations: African in 7 of 23990 chromosomes (freq: 0.0003), Other in 13 of 6454 chromosomes (freq: 0.002), Latino in 5 of 34416 chromosomes (freq: 0.0002), European in 340 of 126504 chromosomes (freq: 0.003), Ashkenazi Jewish in 1 of 10134 chromosomes (freq: 0.0001), East Asian in 1 of 18866 chromosomes (freq: 0.00005), Finnish in 341 of 25774 chromosomes (freq: 0.01), and South Asian in 59 of 30782 chromosomes (freq: 0.002). The p.Ala145 residue is conserved in mammals but not in more distantly related organisms. However, four out of five computational analyses (PolyPhen-2, SIFT, AlignGVGD, BLOSUM, MutationTaster) do not suggest a high likelihood of impact to the protein; this information is not predictive enough to rule out pathogenicity. The variant occurs outside of the splicing consensus sequence and in silico or computational prediction software programs (SpliceSiteFinder, MaxEntScan, NNSPLICE, GeneSplicer) do not predict a difference in splicing. In summary, based on the above information, the clinical significance of this variant cannot be determined with certainty at this time although we would lean towards a more benign role for this variant. This variant is classified as likely benign.

Genome Diagnostics Laboratory, Amsterdam University Medical Center
Classification: Benign. Review status: no assertion criteria provided. Collection method: clinical testing. Allele origin: germline. Affected: yes. Study: VKGL Data-share Consensus. Not counted in ClinVar's aggregate classification.

NM_002691.4(POLD1):c.433G>A (p.Ala145Thr)

Gene: POLD1 (DNA polymerase delta 1, catalytic subunit; plus strand). Cytogenetic location: 19q13.33.
Variant type: single nucleotide variant.
Coding change: c.433G>A on transcript NM_002691.4 (MANE Select); coding-DNA position 433, G replaced by A.
Protein change: p.Ala145Thr; replaces alanine 145 with threonine.
Molecular consequence: missense variant. On other transcripts: non-coding transcript variant (1).
Genome position (GRCh38, 1-based): chr19:50,401,894, G>A. VCF-style: chr19-50401894-G-A. GRCh37 (hg19) VCF-style: chr19-50905151-G-A.
Other names: c.433G>A, p.Ala145Thr (NM_001256849.1, NM_001308632.1); short protein forms A145T.
Identifiers: ClinVar variation 221138 (VCV000221138.66), dbSNP rs137953986, ClinGen allele CA349109.